The following is an entry in ClinVar:

ClinVar aggregate classification (germline): Benign. Review status: criteria provided, single submitter (1 of 4 stars). 2 submissions from 2 submitters: Benign (1). 1 of the submissions does not count toward it. Last evaluated 2019-12-31.

Conditions:
KCNAB2-related disorder. Also called: KCNAB2-related condition.

Allele frequency attached by ClinVar (database versions not stated): gnomAD exomes 0.00071; ExAC 0.00130; gnomAD 0.00292 and 0.00318; 1000 Genomes Project 0.00300; 1000 Genomes Project 30x 0.00312; ESP Exome Variant Server 0.00316; TOPMed 0.00328.
gnomAD v4.1: 900 of 1,605,846 alleles (0.056%); highest among the groups gnomAD compares: African/African-American, 1.1%; 4 homozygotes.

Submissions (6):

Labcorp Genetics (formerly Invitae), Labcorp
Classification: Benign. Last evaluated: 2019-12-31. Review status: criteria provided, single submitter. Criteria: Invitae Variant Classification Sherloc (09022015). Collection method: clinical testing. Allele origin: germline.

PreventionGenetics, part of Exact Sciences
Classification: Benign for KCNAB2-related condition. Last evaluated: 2019-10-28. Review status: no assertion criteria provided. Collection method: clinical testing. Allele origin: germline. Not counted in ClinVar's aggregate classification.
Comment: This variant is classified as benign based on ACMG/AMP sequence variant interpretation guidelines (Richards et al. 2015 PMID: 25741868, with internal and published modifications).

Dr. Peter K. Rogan Lab, Western University
No classification provided (evidence only). Condition: Familial cancer of breast. Review status: no classification provided. Collection method: in vitro. Allele origin: not applicable. Functional consequence: retained intron. Not counted in ClinVar's aggregate classification.

Dr. Peter K. Rogan Lab, Western University
No classification provided (evidence only). Condition: Uterine corpus endometrial carcinoma. Review status: no classification provided. Collection method: in vitro. Allele origin: not applicable. Functional consequence: retained intron. Not counted in ClinVar's aggregate classification.

Dr. Peter K. Rogan Lab, Western University
No classification provided (evidence only). Condition: Sarcoma. Review status: no classification provided. Collection method: in vitro. Allele origin: not applicable. Functional consequence: retained intron. Not counted in ClinVar's aggregate classification.

Dr. Peter K. Rogan Lab, Western University
No classification provided (evidence only). Condition: Ovarian serous cystadenocarcinoma. Review status: no classification provided. Collection method: in vitro. Allele origin: not applicable. Functional consequence: retained intron. Not counted in ClinVar's aggregate classification.

NM_001199862.2(KCNAB2):c.732+5G>A

Gene: KCNAB2 (potassium voltage-gated channel subfamily A regulatory beta subunit 2; plus strand). Cytogenetic location: 1p36.31.
Variant type: single nucleotide variant.
Coding change: c.732+5G>A on transcript NM_001199862.2 (MANE Select); 5 bases into the intron after coding-DNA position 732, G replaced by A.
Molecular consequence: intron variant.
Genome position (GRCh38, 1-based): chr1:6,094,490, G>A. VCF-style: chr1-6094490-G-A. GRCh37 (hg19) VCF-style: chr1-6154550-G-A.
Other names: NC_000001.10:g.6154550G>A; c.588+5G>A (NM_001199861.2, NM_003636.4, NM_001199860.2); c.546+5G>A (NM_172130.3); c.387+5G>A (NM_001199863.2).
Identifiers: ClinVar variation 716039 (VCV000716039.7), dbSNP rs115915191, ClinGen allele CA555340.